The following is an entry in ClinVar:

ClinVar aggregate classification (germline): Pathogenic. Review status: criteria provided, multiple submitters, no conflicts (2 of 4 stars). 2 submissions from 2 submitters: Pathogenic (2). Last evaluated 2022-03-19.

Conditions:
Marfan syndrome (MFS). Also called: Marfan syndrome, classic; FBN1-Related Marfan Syndrome; Marfan syndrome type 1; Marfan's syndrome; MARFAN SYNDROME, TYPE I. Identifiers: Orphanet 284963, Orphanet 558, MedGen C0024796, MONDO:0007947, OMIM 154700.
Familial thoracic aortic aneurysm and aortic dissection (TAAD). Also called: Thoracic aortic aneurysms and dissections. Identifiers: Orphanet 91387, MedGen C4707243, MONDO:0019625.

Submissions (2):

Labcorp Genetics (formerly Invitae), Labcorp
Classification: Pathogenic for Marfan syndrome; Familial thoracic aortic aneurysm and aortic dissection. Last evaluated: 2022-03-19. Review status: criteria provided, single submitter. Criteria: Invitae Variant Classification Sherloc (09022015). Collection method: clinical testing. Allele origin: germline.
Comment: This sequence change replaces cysteine, which is neutral and slightly polar, with phenylalanine, which is neutral and non-polar, at codon 555 of the FBN1 protein (p.Cys555Phe). For these reasons, this variant has been classified as Pathogenic. This variant disrupts the p.Cys555 amino acid residue in FBN1. Other variant(s) that disrupt this residue have been observed in individuals with FBN1-related conditions (PMID: 17418587, 32679894; Invitae), which suggests that this may be a clinically significant amino acid residue. This variant affects a cysteine residue in the EGF-like, TGFBP or hybrid motif domains of FBN1. Cysteine residues are believed to be involved in intramolecular disulfide bridges and have been shown to be important for FBN1 protein structure (PMID: 16905551, 19349279). In addition, missense substitutions affecting cysteine residues within these domains are significantly overrepresented among patients with Marfan syndrome (PMID: 16571647, 17701892). Advanced modeling of protein sequence and biophysical properties (such as structural, functional, and spatial information, amino acid conservation, physicochemical variation, residue mobility, and thermodynamic stability) performed at Invitae indicates that this missense variant is expected to disrupt FBN1 protein function. ClinVar contains an entry for this variant (Variation ID: 199974). This missense change has been observed in individual(s) with Marfan syndrome (Invitae). This variant is not present in population databases (gnomAD no frequency).

GeneDx
Classification: Pathogenic. Last evaluated: 2013-02-28. Review status: criteria provided, single submitter. Criteria: GeneDx Variant Classification (06012015). Collection method: clinical testing. Allele origin: germline. Affected: yes.
Comment: p.Cys555Phe (TGC>TTC): c.1664 G>T in exon 14 of the FBN1 gene (NM_000138.4)While the Cys555Phe mutation in the FBN1 gene has not been reported to our knowledge, a mutation affecting this same codon (Cys555Arg) has been reported in a patient with suspected Marfan syndrome (Waldmuller S et al., 2007). Additionally, mutations in nearby residues (Asn548Ile, Cys557Tyr, Gly560Ser) have been reported in association with Marfan syndrome or fibrillinopathy, further supporting the functional importance of this codon and this region of the protein. Cys555Phe results in a non-conservative amino acid substitution of a neutral, polar Cysteine with a non-polar Phenylalanine at a position that is conserved across species. In silico analysis predicts Cys555Phe is damaging to the protein structure/function. Furthermore, the Cys555Phe variant was not observed in approximately 6,500 individuals of European and African American ancestry in the NHLBI Exome Sequencing Project, indicating it is not a common benign variant in these populations.In summary, Cys555Phe in the FBN1 gene is interpreted as a likely disease-causing mutation. The variant is found in TAAD panel(s).

Literature cited by the submitters: PubMed 17418587 (cited by Labcorp Genetics (formerly Invitae), Labcorp); PubMed 32679894 (cited by Labcorp Genetics (formerly Invitae), Labcorp); PubMed 16905551 (cited by Labcorp Genetics (formerly Invitae), Labcorp); PubMed 19349279 (cited by Labcorp Genetics (formerly Invitae), Labcorp); PubMed 16571647 (cited by Labcorp Genetics (formerly Invitae), Labcorp); PubMed 17701892 (cited by Labcorp Genetics (formerly Invitae), Labcorp).

NM_000138.5(FBN1):c.1664G>T (p.Cys555Phe)

Gene: FBN1 (fibrillin 1; minus strand). Cytogenetic location: 15q21.1.
Variant type: single nucleotide variant.
Coding change: c.1664G>T on transcript NM_000138.5 (MANE Select); coding-DNA position 1664, G replaced by T.
Protein change: p.Cys555Phe; replaces cysteine 555 with phenylalanine.
Molecular consequence: missense variant.
Genome position (GRCh38, 1-based): chr15:48,510,094, C>A on the plus strand (G>T on the coding strand, the complement: FBN1 is on the minus strand). VCF-style: chr15-48510094-C-A. GRCh37 (hg19) VCF-style: chr15-48802291-C-A.
Other names: p.C555F:TGC>TTC; short protein forms C555F.
Identifiers: ClinVar variation 199974 (VCV000199974.6), dbSNP rs794728172, ClinGen allele CA012433.
Genomic context (GRCh38, chr15:48,510,094, plus strand): 5'-CTATTATTACCTTCACAGTTCTTCCCATCTCGTGTAACATGAAAGCCCGCATTACACACG[C>A]AATGAAAACTGCCATCTGTGTTGATGCAGCGTCCATTATTGCAGATCCGGCCATTCTGTA-3'
Protein context (NP_000129.3, residues 545-565): RCINTDGSFH[Cys555Phe]VCNAGFHVTR